The following is an entry in ClinVar:

NM_001164508.2(NEB):c.5824T>A (p.Ser1942Thr)

Gene: NEB (nebulin; minus strand). Cytogenetic location: 2q23.3.
Variant type: single nucleotide variant.
Coding change: c.5824T>A on transcript NM_001164508.2 (MANE Select); coding-DNA position 5824, T replaced by A.
Protein change: p.Ser1942Thr; replaces serine 1942 with threonine.
Molecular consequence: missense variant.
Genome position (GRCh38, 1-based): chr2:151,662,281, A>T on the plus strand (T>A on the coding strand, the complement: NEB is on the minus strand). VCF-style: chr2-151662281-A-T. GRCh37 (hg19) VCF-style: chr2-152518795-A-T.
Other names: c.5824T>A, p.Ser1942Thr (NM_001164507.2, NM_001271208.2, NM_004543.5); short protein forms S1942T.
Identifiers: ClinVar variation 1470447 (VCV001470447.5), dbSNP rs2154168846, ClinGen allele CA348806477.

ClinVar aggregate classification (germline): Uncertain significance (1 of 4 stars; one submission).

Conditions:
Nemaline myopathy 2 (NEM2). Also called: Nemaline myopathy 2, autosomal recessive. Identifiers: MedGen C1850569, MONDO:0009725, OMIM 256030.

gnomAD v4.1: 2 of 1,613,650 alleles (0.00012%); highest among the groups gnomAD compares: Non-Finnish European, 0.00017%; no homozygotes.

Submission:

Labcorp Genetics (formerly Invitae), Labcorp
Classification: Uncertain significance for Nemaline myopathy 2. Last evaluated: 2022-07-26. Review status: criteria provided, single submitter. Criteria: Invitae Variant Classification Sherloc (09022015). Collection method: clinical testing. Allele origin: germline.
Comment: This sequence change replaces serine, which is neutral and polar, with threonine, which is neutral and polar, at codon 1942 of the NEB protein (p.Ser1942Thr). This variant is not present in population databases (gnomAD no frequency). This variant has not been reported in the literature in individuals affected with NEB-related conditions. ClinVar contains an entry for this variant (Variation ID: 1470447). Algorithms developed to predict the effect of missense changes on protein structure and function are either unavailable or do not agree on the potential impact of this missense change (SIFT: "Deleterious"; PolyPhen-2: "Not Available"; Align-GVGD: "Class C0"). In summary, the available evidence is currently insufficient to determine the role of this variant in disease. Therefore, it has been classified as a Variant of Uncertain Significance.